The following is an entry in ClinVar:

ClinVar aggregate classification (germline): Pathogenic. Review status: criteria provided, multiple submitters, no conflicts (2 of 4 stars). 21 submissions from 20 submitters: Pathogenic (18). 3 of the submissions do not count toward it. Last evaluated 2026-08-28.

Conditions:
Rare genetic deafness. Identifiers: Orphanet 96210, MedGen C5680250.
Deafness. Identifiers: MedGen C0011053.
Monogenic hearing loss.
SLC26A4-related disorder. Also called: SLC26A4-related condition; SLC26A4-related disorders.
Pendred syndrome (PDS). Also called: Pendred's syndrome; DEAFNESS WITH GOITER; GOITER-DEAFNESS SYNDROME; HYPOTHYROIDISM, CONGENITAL, DUE TO DYSHORMONOGENESIS, 2B; THYROID DYSHORMONOGENESIS 2B; THYROID HORMONOGENESIS, GENETIC DEFECT IN, 2B. Identifiers: Orphanet 705, MedGen C0271829, MONDO:0010134, OMIM 274600.
Hearing impairment. Also called: Impaired Hearing. Identifiers: MedGen C1384666, MONDO:0005365, HP:0000365.
Autosomal recessive nonsyndromic hearing loss 4 (DFNB4). Also called: FOXI1-Related Pendred Syndrome; KCNJ10-Related Pendred Syndrome; DEAFNESS, AUTOSOMAL RECESSIVE 4, WITH ENLARGED VESTIBULAR AQUEDUCT, DIGENIC; Deafness, autosomal recessive 4; Nonsyndromic enlarged vestibular aqueduct (NSEVA); NEUROSENSORY NONSYNDROMIC RECESSIVE DEAFNESS 4. Identifiers: Orphanet 90636, MedGen C3538946, MONDO:0010933, OMIM 600791.

Allele frequency attached by ClinVar (database versions not stated): gnomAD exomes 0.00002; TOPMed 0.00004; ExAC 0.00002; gnomAD 0.00006.
gnomAD v4.1: 32 of 1,612,898 alleles (0.002%); highest among the groups gnomAD compares: African/African-American, 0.008%; no homozygotes.

Submissions 1 to 12 of 21:

Genetics Laboratory, Great Ormond Street Hospital NHS Foundation Trust, North Thames Genomic Laboratory Hub
Classification: Pathogenic for Monogenic hearing loss. Last evaluated: 2026-08-28. Review status: criteria provided, single submitter. Criteria: ACGS Best Practice Guidelines for Variant Classification in Rare Disease 2024 v1.2. Collection method: clinical testing. Allele origin: germline. Affected: yes.
Comment: PM2_moderate, PP3_supporting, PS3_moderate, PP1_supporting, PM3_strong, PP4_supporting

Department of Molecular Genetics, Istishari Arab Hospital
Classification: Pathogenic for Autosomal recessive nonsyndromic hearing loss 4. Last evaluated: 2026-01-17. Review status: criteria provided, single submitter. Criteria: ACMG Guidelines, 2015. Collection method: clinical testing. Allele origin: germline. Inheritance: Autosomal recessive inheritance. Affected: yes.
Comment: The SLC26A4 variant c.1489G>A, p.Gly497Ser causes an amino acid change from Gly to Ser at position 497. This variant was previously reported in patients with hearing loss (PMID: 32747562, 31599023, 30139988, and many others). The variant is observed at an extremely low frequency in the gnomAD v4.1.0 dataset (total allele frequency: <0.001%) It is classified as pathogenic based on ACMG/AMP/ClinGen SVI guidelines.

Labcorp Genetics (formerly Invitae), Labcorp
Classification: Pathogenic. Last evaluated: 2026-01-01. Review status: criteria provided, single submitter. Criteria: Invitae Variant Classification Sherloc (09022015). Collection method: clinical testing. Allele origin: germline.
Comment: This sequence change replaces glycine, which is neutral and non-polar, with serine, which is neutral and polar, at codon 497 of the SLC26A4 protein (p.Gly497Ser). This variant is present in population databases (rs111033308, gnomAD 0.005%). This missense change has been observed in individuals with sensorineural hearing loss and enlarged vestibular aqueduct (PMID: 9500541, 26763877, 28964290). It has also been observed to segregate with disease in related individuals. ClinVar contains an entry for this variant (Variation ID: 43510). Invitae Evidence Modeling of protein sequence and biophysical properties (such as structural, functional, and spatial information, amino acid conservation, physicochemical variation, residue mobility, and thermodynamic stability) indicates that this missense variant is expected to disrupt SLC26A4 protein function with a positive predictive value of 95%. Experimental studies have shown that this missense change affects SLC26A4 function (PMID: 10861298, 18310264). For these reasons, this variant has been classified as Pathogenic.

Natera, Inc.
Classification: Pathogenic for Pendred syndrome. Last evaluated: 2025-09-10. Review status: criteria provided, single submitter. Criteria: Natera Variant Classification Schema (03/2026). Collection method: clinical testing. Allele origin: germline.
Comment: The c.1489G>A variant in SLC26A4 is a missense variant predicted to cause substitution of glycine to serine at amino acid 497. This variant is rare in the general population with a frequency below the threshold expected for the associated phenotype(s). This variant has been observed in one or more individuals affected with the associated recessive disease, as either homozygous or compound heterozygous with a second variant (PMID: 25394566, 31387071, 16950989, 25290043, 32645618, 33152970, 40300787). Computational prediction algorithms indicate this variant is likely to affect gene or protein function. Given the available evidence, this variant is classified as Pathogenic.

PreventionGenetics, part of Exact Sciences
Classification: Pathogenic for SLC26A4-related condition. Last evaluated: 2024-12-19. Review status: criteria provided, single submitter. Criteria: ACMG Guidelines, 2015. Collection method: clinical testing. Allele origin: germline.
Comment: The SLC26A4 c.1489G>A variant is predicted to result in the amino acid substitution p.Gly497Ser. This variant has been reported in the homozygous state or with a second SLC26A4 variant in individuals with autosomal recessive non-syndromic hearing loss, and it segregated with disease in affected family members (see, for example, Li et al. 1998. PubMed ID: 9500541; Cengiz et al. 2017. PubMed ID: 28964290; Table S2B, Abu Rayyan et al. 2020. PubMed ID: 32747562). Experimental studies indicate this variant results in reduced anion transport (Scott et al. 2000. PubMed ID: 10861298; Yoon et al. 2008. PubMed ID: 18310264; Wasano et al. 2020. PubMed ID: 31599023). This variant is reported in 0.0050% of alleles in individuals of East Asian descent in gnomAD. This variant is interpreted as pathogenic.

Dubai Health Genomic Medicine Center, Dubai Health
Classification: Pathogenic for Deafness. Last evaluated: 2024-10-04. Review status: criteria provided, single submitter. Criteria: ACMG Guidelines, 2015. Collection method: research. Allele origin: germline. Affected: yes.
Comment: PS3,PM3,PM2,PP3,PP1

Revvity Omics, Revvity
Classification: Pathogenic. Last evaluated: 2024-06-04. Review status: criteria provided, single submitter. Criteria: ACMG Guidelines, 2015. Collection method: clinical testing. Allele origin: germline.

Baylor Genetics
Classification: Pathogenic for Autosomal recessive nonsyndromic hearing loss 4. Last evaluated: 2024-03-27. Review status: criteria provided, single submitter. Criteria: ACMG Guidelines, 2015. Collection method: clinical testing. Allele origin: unknown.

GeneDx
Classification: Pathogenic. Last evaluated: 2022-12-15. Review status: criteria provided, single submitter. Criteria: GeneDx Variant Classification Process June 2021. Collection method: clinical testing. Allele origin: germline. Affected: yes.
Comment: Published functional studies demonstrate a damaging effect due to abolishment of complex glycosylation and significant reduction of ion transport activities (Scott et al., 2000; Yoon et al., 2008; Wasano et al., 2020); Not observed at a significant frequency in large population cohorts (gnomAD); In silico analysis supports that this missense variant has a deleterious effect on protein structure/function; This variant is associated with the following publications: (PMID: 34680964, 10861298, 18310264, 27771369, 28964290, 30139988, 31387071, 31599023, 9500541, 26763877, 29546359, 30275481, 34426522, 32747562, 31589614, 33152970, 32645618)

Women's Health and Genetics/Laboratory Corporation of America, LabCorp
Classification: Pathogenic for Pendred syndrome. Last evaluated: 2022-03-23. Review status: criteria provided, single submitter. Criteria: LabCorp Variant Classification Summary - May 2015. Collection method: clinical testing. Allele origin: germline.
Comment: Variant summary: SLC26A4 c.1489G>A (p.Gly497Ser) results in a non-conservative amino acid change in the encoded protein sequence. Five of five in-silico tools predict a damaging effect of the variant on protein function. The variant allele was found at a frequency of 2e-05 in 251406 control chromosomes. c.1489G>A has been reported in the literature in multiple individuals affected with sensorineural hearing loss and enlarged vestibular aqueduct, and the variant segregated with disease in affected families (examples: Li_1998, Yazdanpanahi_2015, Abu Rayyan_2020). In functional studies the variant was reported to result in a low level of of pendrin activity (Scott_2000). Eight clinical diagnostic laboratories have submitted clinical-significance assessments for this variant to ClinVar after 2014 without evidence for independent evaluation, seven classified as pathogenic while one classified as VUS. Based on the evidence outlined above, the variant was classified as pathogenic.

Genome-Nilou Lab
Classification: Pathogenic for Autosomal recessive nonsyndromic hearing loss 4. Last evaluated: 2021-09-05. Review status: criteria provided, single submitter. Criteria: ACMG Guidelines, 2015. Collection method: clinical testing. Allele origin: germline. Affected: no.

Genome-Nilou Lab
Classification: Pathogenic for Pendred syndrome. Last evaluated: 2021-09-05. Review status: criteria provided, single submitter. Criteria: ACMG Guidelines, 2015. Collection method: clinical testing. Allele origin: germline. Affected: no.

NM_000441.2(SLC26A4):c.1489G>A (p.Gly497Ser)

Gene: SLC26A4 (solute carrier family 26 member 4; plus strand). Cytogenetic location: 7q22.3.
Variant type: single nucleotide variant.
Coding change: c.1489G>A on transcript NM_000441.2 (MANE Select); coding-DNA position 1489, G replaced by A.
Protein change: p.Gly497Ser; replaces glycine 497 with serine.
Molecular consequence: missense variant.
Genome position (GRCh38, 1-based): chr7:107,695,984, G>A. VCF-style: chr7-107695984-G-A. GRCh37 (hg19) VCF-style: chr7-107336429-G-A.
Other names: short protein forms G497S.
Identifiers: ClinVar variation 43510 (VCV000043510.83), dbSNP rs111033308, ClinGen allele CA261413.